The following is an entry in ClinVar:

NM_001267550.2(TTN):c.31978C>T (p.Arg10660Trp)

Gene: TTN (titin; minus strand). Cytogenetic location: 2q31.2.
Variant type: single nucleotide variant.
Coding change: c.31978C>T on transcript NM_001267550.2 (MANE Select); coding-DNA position 31978, C replaced by T.
Protein change: p.Arg10660Trp; replaces arginine 10660 with tryptophan.
Molecular consequence: missense variant. On other transcripts: intron variant (3).
Genome position (GRCh38, 1-based): chr2:178,689,323, G>A on the plus strand (C>T on the coding strand, the complement: TTN is on the minus strand). VCF-style: chr2-178689323-G-A. GRCh37 (hg19) VCF-style: chr2-179554050-G-A.
Other names: p.R10343W:CGG>TGG; c.31027C>T, p.Arg10343Trp (NM_001256850.1); c.28246C>T, p.Arg9416Trp (NM_133378.4); c.13283-47006C>T (NM_003319.4); c.13859-47006C>T (NM_133437.4); c.13658-47006C>T (NM_133432.3); short protein forms R10343W, R10660W, R9416W.
Identifiers: ClinVar variation 202567 (VCV000202567.2), dbSNP rs537107089, ClinGen allele CA309611.

ClinVar aggregate classification (germline): Uncertain significance (1 of 4 stars; one submission).

Allele frequency attached by ClinVar (database versions not stated): gnomAD below 0.00001 and 0.00001; ExAC 0.00001; gnomAD exomes 0.00001 and 0.00002; TOPMed 0.00002.
gnomAD v4.1: 18 of 1,613,788 alleles (0.0011%); highest among the groups gnomAD compares: Middle Eastern, 0.033%; no homozygotes.

Submission:

GeneDx
Classification: Uncertain significance. Last evaluated: 2014-05-12. Review status: criteria provided, single submitter. Criteria: GeneDx Variant Classification (06012015). Collection method: clinical testing. Allele origin: germline. Affected: yes.
Comment: Missense variants in the TTN gene are considered 'unclassified' if they are not previously reported in the literature and do not have >1% frequency in the population to be considered a polymorphism. Research indicates that truncating mutations in the TTN gene are expected to account for approximately 25% of familial and 18% of sporadic idiopathic DCM; however, truncating variants in the TTN gene have been reported in approximately 3% of reported control alleles. There has been little investigation into non-truncating variants. (Herman D et al. Truncations of titin causing dilated cardiomyopathy. N Eng J Med 366:619-628, 2012) The variant is found in DCM-CRDM panel(s).